The following is an entry in ClinVar:

ClinVar aggregate classification (germline): Uncertain significance (1 of 4 stars; one submission).

Conditions:
Hereditary cancer-predisposing syndrome. Also called: Hereditary Cancer Syndrome; Hereditary neoplastic syndrome; Neoplastic Syndromes, Hereditary; Tumor predisposition. Identifiers: Orphanet 140162, MedGen C0027672, MeSH D009386, MONDO:0015356.

Submission:

Ambry Genetics
Classification: Uncertain significance for Hereditary cancer-predisposing syndrome. Last evaluated: 2026-08-13. Review status: criteria provided, single submitter. Criteria: Ambry Variant Classification Scheme 2023. Collection method: clinical testing. Allele origin: germline.
Comment: The p.S1297R variant (also known as c.3889A>C), located in coding exon 9 of the MSH6 gene, results from an A to C substitution at nucleotide position 3889. The serine at codon 1297 is replaced by arginine, an amino acid with dissimilar properties. This amino acid position is highly conserved in available vertebrate species. In addition, this alteration is predicted to be deleterious by in silico analysis. Based on the available evidence, the clinical significance of this variant remains unclear.

NM_000179.3(MSH6):c.3889A>C (p.Ser1297Arg)

Gene: MSH6 (mutS homolog 6; plus strand). Cytogenetic location: 2p16.3.
Variant type: single nucleotide variant.
Coding change: c.3889A>C on transcript NM_000179.3 (MANE Select); coding-DNA position 3889, A replaced by C.
Protein change: p.Ser1297Arg; replaces serine 1297 with arginine.
Molecular consequence: missense variant. On other transcripts: non-coding transcript variant (5), intron variant (1).
Genome position (GRCh38, 1-based): chr2:47,806,539, A>C. VCF-style: chr2-47806539-A-C. GRCh37 (hg19) VCF-style: chr2-48033678-A-C.
Other names: c.2983A>C, p.Ser995Arg (NM_001406829.1, NM_001281493.2, NM_001281494.2 and 6 more transcripts); c.3592A>C, p.Ser1198Arg (NM_001406830.1, NM_001406797.1, NM_001406818.1 and 10 more transcripts); c.670A>C, p.Ser224Arg (NM_001406831.1); c.736A>C, p.Ser246Arg (NM_001406832.1); c.1834A>C, p.Ser612Arg (NM_001407362.1); c.3897+181A>C (NM_001406802.1); c.3499A>C, p.Ser1167Arg (NM_001281492.2); c.3985A>C, p.Ser1329Arg (NM_001406795.1); and 9 more; short protein forms K1292N, S1297R, S224R, S995R, S1009R, S1122R, S1241R, S1329R.
Identifiers: ClinVar variation 2567466 (VCV002567466.3), dbSNP rs1670114718, ClinGen allele CA346761392.